The following is an entry in ClinVar:

ClinVar aggregate classification (germline): Uncertain significance (1 of 4 stars; one submission).

Conditions:
TGM3-related disorder. Also called: TGM3-related condition.

Submission:

PreventionGenetics, part of Exact Sciences
Classification: Uncertain significance for TGM3-related condition. Last evaluated: 2025-05-08. Review status: criteria provided, single submitter. Criteria: ACMG Guidelines, 2015. Collection method: clinical testing. Allele origin: germline.
Comment: The TGM3 c.727G>A variant is predicted to result in the amino acid substitution p.Gly243Ser. To our knowledge, this variant has not been reported in the literature. This variant is reported in 0.025% of alleles in individuals of East Asian descent in gnomAD. At this time, the clinical significance of this variant is uncertain due to the absence of conclusive functional and genetic evidence.

NM_003245.4(TGM3):c.727G>A (p.Gly243Ser)

Gene: TGM3 (transglutaminase 3; plus strand). Cytogenetic location: 20p13.
Variant type: single nucleotide variant.
Coding change: c.727G>A on transcript NM_003245.4 (MANE Select); coding-DNA position 727, G replaced by A.
Protein change: p.Gly243Ser; replaces glycine 243 with serine.
Molecular consequence: missense variant.
Genome position (GRCh38, 1-based): chr20:2,317,125, G>A. VCF-style: chr20-2317125-G-A. GRCh37 (hg19) VCF-style: chr20-2297771-G-A.
Other names: short protein forms G243S.
Identifiers: ClinVar variation 4979976 (VCV004979976.1).